The following is an entry in ClinVar:

NM_015057.5(MYCBP2):c.6877G>T (p.Asp2293Tyr)

Gene: MYCBP2 (MYC binding protein 2; minus strand). Cytogenetic location: 13q22.3.
Variant type: single nucleotide variant.
Coding change: c.6877G>T on transcript NM_015057.5 (MANE Select); coding-DNA position 6877, G replaced by T.
Protein change: p.Asp2293Tyr; replaces aspartic acid 2293 with tyrosine.
Molecular consequence: missense variant.
Genome position (GRCh38, 1-based): chr13:77,156,096, C>A on the plus strand (G>T on the coding strand, the complement: MYCBP2 is on the minus strand). VCF-style: chr13-77156096-C-A. GRCh37 (hg19) VCF-style: chr13-77730231-C-A.
Other names: short protein forms D2293Y.
Identifiers: ClinVar variation 4882908 (VCV004882908.2).

ClinVar aggregate classification (germline): Uncertain significance (1 of 4 stars; one submission).

Submission:

Dasa
Classification: Uncertain significance. Last evaluated: 2024-12-06. Review status: criteria provided, single submitter. Criteria: DASA Assertion Criteria. Collection method: clinical testing. Allele origin: germline.
Comment: NM_015057.5(MYCBP2):c.6877G>T (p.Asp2293Tyr) is a missense variant that results in the substitution of aspartic acid with tyrosine. This variant is absent from population databases. Computational prediction algorithms are consistent with a deleterious effect. The currently available literature and clinical evidence are not sufficient to establish a definitive association between this variant and the reported condition. Therefore, this variant is classified as a variant of uncertain significance.